The following is an entry in ClinVar:

NM_001379500.1(COL18A1):c.2822C>G (p.Pro941Arg)

Genes: COL18A1 (collagen type XVIII alpha 1 chain; plus strand), SLC19A1 (solute carrier family 19 member 1; minus strand). Cytogenetic location: 21q22.3.
Variant type: single nucleotide variant.
Coding change: c.2822C>G on transcript NM_001379500.1 (MANE Select); coding-DNA position 2822, C replaced by G.
Protein change: p.Pro941Arg; replaces proline 941 with arginine.
Molecular consequence: missense variant.
Genome position (GRCh38, 1-based): chr21:45,504,510, C>G. VCF-style: chr21-45504510-C-G. GRCh37 (hg19) VCF-style: chr21-46924424-C-G.
Other names: c.3362C>G, p.Pro1121Arg (NM_030582.4); c.4067C>G, p.Pro1356Arg (NM_130444.3); short protein forms P1121R, P941R, P1356R.
Identifiers: ClinVar variation 1386226 (VCV001386226.6), dbSNP rs984834874, ClinGen allele CA410499270.

ClinVar aggregate classification (germline): Uncertain significance (1 of 4 stars; one submission).

Submission:

Labcorp Genetics (formerly Invitae), Labcorp
Classification: Uncertain significance. Last evaluated: 2021-04-09. Review status: criteria provided, single submitter. Criteria: Invitae Variant Classification Sherloc (09022015). Collection method: clinical testing. Allele origin: germline.
Comment: In summary, the available evidence is currently insufficient to determine the role of this variant in disease. Therefore, it has been classified as a Variant of Uncertain Significance. Experimental studies and prediction algorithms are not available or were not evaluated, and the functional significance of this variant is currently unknown. This variant has not been reported in the literature in individuals with COL18A1-related conditions. This variant is not present in population databases (ExAC no frequency). This sequence change replaces proline with arginine at codon 941 of the COL18A1 protein (p.Pro941Arg). The proline residue is moderately conserved and there is a moderate physicochemical difference between proline and arginine.